The following is an entry in ClinVar:

NM_020166.5(MCCC1):c.1483C>T (p.Gln495Ter)

Gene: MCCC1 (methylcrotonyl-CoA carboxylase subunit 1; minus strand). Cytogenetic location: 3q27.1.
Variant type: single nucleotide variant.
Coding change: c.1483C>T on transcript NM_020166.5 (MANE Select); coding-DNA position 1483, C replaced by T.
Protein change: p.Gln495Ter; replaces glutamine 495 with a stop codon.
Molecular consequence: nonsense. On other transcripts: non-coding transcript variant (1).
Genome position (GRCh38, 1-based): chr3:183,037,329, G>A on the plus strand (C>T on the coding strand, the complement: MCCC1 is on the minus strand). VCF-style: chr3-183037329-G-A. GRCh37 (hg19) VCF-style: chr3-182755117-G-A.
Other names: c.1132C>T, p.Gln378Ter (NM_001293273.2); c.1156C>T, p.Gln386Ter (NM_001363880.1); short protein forms Q495*, Q378*, Q386*.
Identifiers: ClinVar variation 873469 (VCV000873469.6), dbSNP rs1713700813, ClinGen allele CA355320552.

ClinVar aggregate classification (germline): Pathogenic/Likely pathogenic. Review status: criteria provided, multiple submitters, no conflicts (2 of 4 stars). 3 submissions from 3 submitters: Pathogenic (1); Likely pathogenic (2). Last evaluated 2024-03-27.

Conditions:
3-methylcrotonyl-CoA carboxylase 1 deficiency (MCC1D). Also called: MCCD TYPE 1; METHYLCROTONYLGLYCINURIA TYPE I; MCC 1 deficiency; 3 Alpha methylcrotonylglycinuria 1. Identifiers: Orphanet 6, MedGen CN028786, MONDO:0008861, OMIM 210200.

Allele frequency attached by ClinVar (database versions not stated): gnomAD exomes below 0.00001; TOPMed below 0.00001; gnomAD 0.00001.
gnomAD v4.1: 2 of 1,614,026 alleles (0.00012%); highest among the groups gnomAD compares: African/African-American, 0.0027%; no homozygotes.

Submissions (3):

Baylor Genetics
Classification: Likely pathogenic for 3-methylcrotonyl-CoA carboxylase 1 deficiency. Last evaluated: 2024-03-27. Review status: criteria provided, single submitter. Criteria: ACMG Guidelines, 2015. Collection method: clinical testing. Allele origin: unknown.

Labcorp Genetics (formerly Invitae), Labcorp
Classification: Pathogenic for 3-methylcrotonyl-CoA carboxylase 1 deficiency. Last evaluated: 2023-12-28. Review status: criteria provided, single submitter. Criteria: Invitae Variant Classification Sherloc (09022015). Collection method: clinical testing. Allele origin: germline.
Comment: This sequence change creates a premature translational stop signal (p.Gln495*) in the MCCC1 gene. It is expected to result in an absent or disrupted protein product. Loss-of-function variants in MCCC1 are known to be pathogenic (PMID: 11181649, 15359379, 22642865). This variant is not present in population databases (gnomAD no frequency). This variant has not been reported in the literature in individuals affected with MCCC1-related conditions. ClinVar contains an entry for this variant (Variation ID: 873469). For these reasons, this variant has been classified as Pathogenic.

UNC Molecular Genetics  Laboratory, University of North Carolina at Chapel Hill
Classification: Likely pathogenic for 3 Methylcrotonyl-CoA carboxylase 1 deficiency. Review status: criteria provided, single submitter. Criteria: ACMG Guidelines, 2015. Collection method: research. Allele origin: germline. Affected: no. Observed: 1 variant allele. Study: NSIGHT-NC NEXUS.
Comment: The MCCC1 c.1483C>T (p.Q495*) nonsense variant is predicted to result in nonsense-mediated decay or premature protein truncation. This variant has not been reported previously in association with 3-methylcrotonyl-coA carboxylase deficiency.

carrier finding

Literature cited by the submitters: PubMed 11181649 (cited by Labcorp Genetics (formerly Invitae), Labcorp); PubMed 15359379 (cited by Labcorp Genetics (formerly Invitae), Labcorp); PubMed 22642865 (cited by Labcorp Genetics (formerly Invitae), Labcorp).